The following is an entry in ClinVar:

NM_003504.5(CDC45):c.342+4C>G

Gene: CDC45 (cell division cycle 45; plus strand). Cytogenetic location: 22q11.21.
Variant type: single nucleotide variant.
Coding change: c.342+4C>G on transcript NM_003504.5 (MANE Select); 4 bases into the intron after coding-DNA position 342, C replaced by G.
Molecular consequence: intron variant.
Genome position (GRCh38, 1-based): chr22:19,482,831, C>G. VCF-style: chr22-19482831-C-G. GRCh37 (hg19) VCF-style: chr22-19470354-C-G.
Other names: c.306+4C>G (NM_001369291.1); c.342+4C>G (NM_001178010.2); c.205-1031C>G (NM_001178011.2).
Identifiers: ClinVar variation 4761243 (VCV004761243.1).

ClinVar aggregate classification (germline): Uncertain significance (1 of 4 stars; one submission).

gnomAD v4.1: 8 of 1,613,764 alleles (0.0005%); highest among the groups gnomAD compares: Non-Finnish European, 0.00068%; no homozygotes.

Submission:

Labcorp Genetics (formerly Invitae), Labcorp
Classification: Uncertain significance. Last evaluated: 2025-09-05. Review status: criteria provided, single submitter. Criteria: Invitae Variant Classification Sherloc (09022015). Collection method: clinical testing. Allele origin: germline.
Comment: This sequence change falls in intron 4 of the CDC45 gene. It does not directly change the encoded amino acid sequence of the CDC45 protein. It affects a nucleotide within the consensus splice site. This variant is present in population databases (no rsID available, gnomAD 0.0009%). This variant has not been reported in the literature in individuals affected with CDC45-related conditions. Variants that disrupt the consensus splice site are a relatively common cause of aberrant splicing (PMID: 17576681, 9536098). Algorithms developed to predict the effect of sequence changes on RNA splicing suggest that this variant may disrupt the consensus splice site. In summary, the available evidence is currently insufficient to determine the role of this variant in disease. Therefore, it has been classified as a Variant of Uncertain Significance.

Literature cited by the submitters: PubMed 17576681; PubMed 9536098.